The following is an entry in ClinVar:

ClinVar aggregate classification (germline): Uncertain significance (1 of 4 stars; one submission).

Allele frequency attached by ClinVar (database versions not stated): TOPMed 0.00001.

Submission:

Labcorp Genetics (formerly Invitae), Labcorp
Classification: Uncertain significance. Last evaluated: 2023-10-14. Review status: criteria provided, single submitter. Criteria: Invitae Variant Classification Sherloc (09022015). Collection method: clinical testing. Allele origin: germline.
Comment: This sequence change replaces glutamic acid, which is acidic and polar, with glycine, which is neutral and non-polar, at codon 555 of the A2ML1 protein (p.Glu555Gly). This variant is not present in population databases (gnomAD no frequency). This variant has not been reported in the literature in individuals affected with A2ML1-related conditions. An algorithm developed to predict the effect of missense changes on protein structure and function (PolyPhen-2) suggests that this variant is likely to be disruptive. In summary, the available evidence is currently insufficient to determine the role of this variant in disease. Therefore, it has been classified as a Variant of Uncertain Significance.

NM_144670.6(A2ML1):c.1664A>G (p.Glu555Gly)

Gene: A2ML1 (alpha-2-macroglobulin like 1; plus strand). Cytogenetic location: 12p13.31.
Variant type: single nucleotide variant.
Coding change: c.1664A>G on transcript NM_144670.6 (MANE Select); coding-DNA position 1664, A replaced by G.
Protein change: p.Glu555Gly; replaces glutamic acid 555 with glycine.
Molecular consequence: missense variant.
Genome position (GRCh38, 1-based): chr12:8,846,203, A>G. VCF-style: chr12-8846203-A-G. GRCh37 (hg19) VCF-style: chr12-8998799-A-G.
Other names: c.191A>G, p.Glu64Gly (NM_001282424.3); short protein forms E64G, E555G.
Identifiers: ClinVar variation 2788650 (VCV002788650.3), dbSNP rs1220693511, ClinGen allele CA383827845.
Genomic context (GRCh38, chr12:8,846,203, plus strand): 5'-TGATCTATGCCATTTTTCCCAGTGGAGGTGTTGTAGCTGACAAAATTCAGTTCTCAGTCG[A>G]GATGTGCTTTGACAATCAGGTAAAATGATAGCGGAGAAGGGTGAAGATAAAAGTTGGGCA-3'
Protein context (NP_653271.3, residues 545-565): VVADKIQFSV[Glu555Gly]MCFDNQVSLG